The following is an entry in ClinVar:

ClinVar aggregate classification (germline): Uncertain significance (1 of 4 stars; one submission).

Conditions:
Atypical hemolytic-uremic syndrome. Identifiers: Orphanet 2134, MedGen C2931788, MONDO:0016244.

Submission:

Genomenon, Inc
Classification: Uncertain significance for Atypical hemolytic-uremic syndrome. Last evaluated: 2025-10-02. Review status: criteria provided, single submitter. Criteria: Genomenon Sequence Variant Interpretation Standards - Updated. Collection method: curation. Allele origin: germline. Affected: yes.
Comment: CFH p.Tyr1142Asp (c.3424T>G) is a missense variant that changes the amino acid at residue 1142 from Tyrosine to Aspartic acid. This variant has been observed in at least one proband affected with atypical hemolytic-uremic syndrome (PMID:12960213). It is absent or not present at a significant frequency in gnomAD. In conclusion, we classify CFH p.Tyr1142Asp (c.3424T>G) as a variant of uncertain significance.

Literature cited by the submitters: PubMed 12960213.

NM_000186.4(CFH):c.3424T>G (p.Tyr1142Asp)

Gene: CFH (complement factor H; plus strand). Cytogenetic location: 1q31.3.
Variant type: single nucleotide variant.
Coding change: c.3424T>G on transcript NM_000186.4 (MANE Select); coding-DNA position 3424, T replaced by G.
Protein change: p.Tyr1142Asp; replaces tyrosine 1142 with aspartic acid.
Molecular consequence: missense variant.
Genome position (GRCh38, 1-based): chr1:196,745,930, T>G. VCF-style: chr1-196745930-T-G. GRCh37 (hg19) VCF-style: chr1-196715060-T-G.
Other names: short protein forms Y1142D.
Identifiers: ClinVar variation 4291571 (VCV004291571.1).